The following is an entry in ClinVar:

NM_000255.4(MMUT):c.694A>T (p.Ile232Phe)

Gene: MMUT (methylmalonyl-CoA mutase; minus strand). Cytogenetic location: 6p12.3.
Variant type: single nucleotide variant.
Coding change: c.694A>T on transcript NM_000255.4 (MANE Select); coding-DNA position 694, A replaced by T.
Protein change: p.Ile232Phe; replaces isoleucine 232 with phenylalanine.
Molecular consequence: missense variant.
Genome position (GRCh38, 1-based): chr6:49,457,750, T>A on the plus strand (A>T on the coding strand, the complement: MMUT is on the minus strand). VCF-style: chr6-49457750-T-A. GRCh37 (hg19) VCF-style: chr6-49425463-T-A.
Other names: short protein forms I232F.
Identifiers: ClinVar variation 2573385 (VCV002573385.1), dbSNP rs1280887685, ClinGen allele CA364404048.

ClinVar aggregate classification (germline): Uncertain significance (1 of 4 stars; one submission).

Submission:

Women's Health and Genetics/Laboratory Corporation of America, LabCorp
Classification: Uncertain significance. Last evaluated: 2023-06-07. Review status: criteria provided, single submitter. Criteria: LabCorp Variant Classification Summary - May 2015. Collection method: clinical testing. Allele origin: germline.
Comment: Variant summary: MUT c.694A>T (p.Ile232Phe) results in a non-conservative amino acid change located in the Methylmalonyl-CoA mutase, alpha chain, catalytic domain (IPR006098) of the encoded protein sequence. Five of five in-silico tools predict a damaging effect of the variant on protein function. The variant was absent in 250398 control chromosomes (gnomAD). The available data on variant occurrences in the general population are insufficient to allow any conclusion about variant significance. c.694A>T has been reported in the literature in at least one compound heterozygous individual affected with Methylmalonic Acidemia (Yu_2021). These data do not allow any conclusion about variant significance. To our knowledge, no experimental evidence demonstrating an impact on protein function has been reported. The following publication has been ascertained in the context of this evaluation (PMID: 34668645). No clinical diagnostic laboratories have submitted clinical-significance assessments for this variant to ClinVar after 2014. Based on the evidence outlined above, the variant was classified as uncertain significance.

Literature cited by the submitters: PubMed 34668645.